The following is an entry in ClinVar:

NM_000038.6(APC):c.889dup (p.Thr297fs)

Gene: APC (APC regulator of Wnt signaling pathway; plus strand). Cytogenetic location: 5q22.2.
Variant type: Duplication.
Coding change: c.889dup on transcript NM_000038.6 (MANE Select); coding-DNA position 889, one base duplicated (A; older notation c.889dupA).
Protein change: p.Thr297fs; shifts the reading frame from threonine 297.
Molecular consequence: frameshift variant. On other transcripts: non-coding transcript variant (2).
Genome position (GRCh38, 1-based): chr5:112,815,549, A duplicated. VCF-style (leftmost placement, unchanged base first): chr5-112815548-C-CA. GRCh37 (hg19) VCF-style: chr5-112151245-C-CA.
Other names: c.889dup, p.Thr297fs (NM_001127510.3, NM_001354895.2, NM_001354896.2 and 12 more transcripts); c.835dup, p.Thr279fs (NM_001127511.3); c.919dup, p.Thr307fs (NM_001354897.2, NM_001354902.2, NM_001407446.1); c.814dup, p.Thr272fs (NM_001354898.2, NM_001354904.2, NM_001407451.1); c.805dup, p.Thr269fs (NM_001354899.2, NM_001407452.1, NM_001407467.1 and 1 more transcripts); c.712dup, p.Thr238fs (NM_001354900.2, NM_001354901.2, NM_001354905.2 and 1 more transcripts); c.40dup, p.Thr14fs (NM_001354906.2, NM_001407470.1, NM_001407471.1 and 1 more transcripts); short protein forms T14fs, T238fs, T269fs, T272fs, T279fs, T297fs, T307fs.
Identifiers: ClinVar variation 2584178 (VCV002584178.2), dbSNP rs2532969690, ClinGen allele CA2582341278.

ClinVar aggregate classification (germline): Pathogenic (1 of 4 stars; one submission).

Conditions:
Familial adenomatous polyposis 1 (FAP1). Also called: FAMILIAL ADENOMATOUS POLYPOSIS 1, ATTENUATED; POLYPOSIS, ADENOMATOUS INTESTINAL. Identifiers: MedGen C2713442, MONDO:0021056, OMIM 175100. Disease mechanism: loss of function.

Submission:

Myriad Genetics, Inc.
Classification: Pathogenic for Familial adenomatous polyposis 1. Last evaluated: 2023-04-27. Review status: criteria provided, single submitter. Criteria: Myriad Autosomal Dominant, Autosomal Recessive and X-Linked Classification Criteria (2023). Collection method: clinical testing. Allele origin: unknown.
Comment: This variant is considered pathogenic. This variant creates a frameshift predicted to result in premature protein truncation.